The following is an entry in ClinVar:

ClinVar aggregate classification (germline): Uncertain significance (1 of 4 stars; one submission).

gnomAD v4.1: 1 of 1,591,188 alleles (0.000063%); highest among the groups gnomAD compares: Non-Finnish European, 0.000086%; no homozygotes.

Submission:

Ambry Genetics
Classification: Uncertain significance. Last evaluated: 2025-11-04. Review status: criteria provided, single submitter. Criteria: Ambry Variant Classification Scheme 2023. Collection method: clinical testing. Allele origin: germline.
Comment: The p.R397G variant (also known as c.1189C>G), located in coding exon 8 of the RNF43 gene, results from a C to G substitution at nucleotide position 1189. The arginine at codon 397 is replaced by glycine, an amino acid with dissimilar properties. This amino acid position is conserved. In addition, this alteration is predicted to be tolerated by in silico analysis. Based on the available evidence, the clinical significance of this variant remains unclear.

NM_017763.6(RNF43):c.1189C>G (p.Arg397Gly)

Gene: RNF43 (ring finger protein 43; minus strand). Cytogenetic location: 17q22.
Variant type: single nucleotide variant.
Coding change: c.1189C>G on transcript NM_017763.6 (MANE Select); coding-DNA position 1189, C replaced by G.
Protein change: p.Arg397Gly; replaces arginine 397 with glycine.
Molecular consequence: missense variant.
Genome position (GRCh38, 1-based): chr17:58,358,587, G>C on the plus strand (C>G on the coding strand, the complement: RNF43 is on the minus strand). VCF-style: chr17-58358587-G-C. GRCh37 (hg19) VCF-style: chr17-56435948-G-C.
Other names: c.1189C>G, p.Arg397Gly (NM_001305544.3, NM_001438820.1, NM_001438821.1 and 1 more transcripts); c.808C>G, p.Arg270Gly (NM_001305545.2, NM_001437987.1); short protein forms R270G, R397G.
Identifiers: ClinVar variation 4578984 (VCV004578984.1).